The following is an entry in ClinVar:

ClinVar aggregate classification (germline): Pathogenic/Likely pathogenic. Review status: criteria provided, multiple submitters, no conflicts (2 of 4 stars). 8 submissions from 8 submitters: Pathogenic (6); Likely pathogenic (1). 1 of the submissions does not count toward it. Last evaluated 2026-03-11.

Conditions:
ZBTB24-related disorder. Also called: ZBTB24-related condition.
Immunodeficiency-centromeric instability-facial anomalies syndrome 2 (ICF2). Identifiers: Orphanet 2268, MedGen C3279748, MONDO:0013553, OMIM 614069.

Allele frequency attached by ClinVar (database versions not stated): ExAC 0.00001; TOPMed 0.00001; gnomAD 0.00002; gnomAD exomes 0.00002.

Submissions (8):

PreventionGenetics, part of Exact Sciences
Classification: Pathogenic for ZBTB24-related condition. Last evaluated: 2026-03-11. Review status: criteria provided, single submitter. Criteria: ACMG Guidelines, 2015. Collection method: clinical testing. Allele origin: germline.
Comment: The ZBTB24 c.1222T>G variant is predicted to result in the amino acid substitution p.Cys408Gly. This variant has been reported in the homozygous state or with other ZBTB24 loss-of-function variants in multiple individuals with ICF2 syndrome (immunodeficiency, centromeric instability, and facial anomalies syndrome type 2) (see for examples, de Greef et al. 2011. PubMed ID: 21596365; von Bernuth et al. 2014. PubMed ID: 25330735; Sogkas et al. 2019. PubMed ID: 30987377; Table S1, Kuzmenko et al. 2024. PubMed ID: 39052144). In vitro experimental studies using a luciferase reporter assay or patient-derived iPSCs suggest this variant affects transcription factor binding and reduces the expression of downstream target genes (Wu et al. 2019. PubMed ID: 31066130; Lullo et al. 2024. PubMed ID: 39040103). This variant is reported in 0.0044% of alleles in individuals of European (non-Finnish) descent in gnomAD. This variant is interpreted as pathogenic.

Labcorp Genetics (formerly Invitae), Labcorp
Classification: Pathogenic for Immunodeficiency-centromeric instability-facial anomalies syndrome 2. Last evaluated: 2025-09-03. Review status: criteria provided, single submitter. Criteria: Invitae Variant Classification Sherloc (09022015). Collection method: clinical testing. Allele origin: germline.
Comment: This sequence change replaces cysteine, which is neutral and slightly polar, with glycine, which is neutral and non-polar, at codon 408 of the ZBTB24 protein (p.Cys408Gly). This variant is present in population databases (rs387907105, gnomAD 0.004%). This missense change has been observed in individual(s) with Immunodeficiency-centromeric instability-facial anomalies syndrome (PMID: 21596365, 22786748, 25330735, 30987377). It has also been observed to segregate with disease in related individuals. ClinVar contains an entry for this variant (Variation ID: 31096). An algorithm developed to predict the effect of missense changes on protein structure and function (PolyPhen-2) suggests that this variant is likely to be disruptive. Experimental studies have shown that this missense change affects ZBTB24 function (PMID: 31066130). For these reasons, this variant has been classified as Pathogenic.

Clinical Genetics Laboratory, Skane University Hospital Lund
Classification: Pathogenic for Immunodeficiency-centromeric instability-facial anomalies syndrome 2. Last evaluated: 2024-12-27. Review status: criteria provided, single submitter. Criteria: ACMG Guidelines, 2015. Collection method: clinical testing. Allele origin: biparental. Inheritance: Autosomal recessive inheritance. Affected: yes.
Comment: ACMG criteria used: PS3 (PMID: 25330735, 31066130), PS4, PM2

Blueprint Genetics
Classification: Pathogenic for ZBTB24-related disorders. Last evaluated: 2023-08-04. Review status: criteria provided, single submitter. Criteria: ACMG Guidelines, 2015. Collection method: clinical testing. Allele origin: germline. Affected: yes. Observed: 3 variant alleles.

Women's Health and Genetics/Laboratory Corporation of America, LabCorp
Classification: Pathogenic for Immunodeficiency-centromeric instability-facial anomalies syndrome 2. Last evaluated: 2022-03-28. Review status: criteria provided, single submitter. Criteria: LabCorp Variant Classification Summary - May 2015. Collection method: clinical testing. Allele origin: germline.
Comment: Variant summary: ZBTB24 c.1222T>G (p.Cys408Gly) results in a non-conservative amino acid change located in the Zinc finger C2H2-type domain (IPR013087) of the encoded protein sequence. Four of five in-silico tools predict a damaging effect of the variant on protein function. The variant allele was found at a frequency of 2e-05 in 251398 control chromosomes. c.1222T>G has been reported in the literature as homozygous and compound heterozygous genotypes in individuals affected with ICF Syndrome, Type 2 (example, de Greef_2011, Cerbone_2012, Toubiana_2018). These data indicate that the variant is very likely to be associated with disease. At least one publication reports experimental evidence evaluating an impact on protein function (example, Wu_2019). The most pronounced variant effect results in significantly decreased (approximately 10%-<30% of normal) activity in regulation of CDCA7 promoter by ZBTB24 as a transcription factor. One clinical diagnostic laboratory has submitted clinical-significance assessments for this variant to ClinVar after 2014 without evidence for independent evaluation and classified the variant as pathogenic. Based on the evidence outlined above, the variant was classified as pathogenic.

Institute for Clinical Genetics, University Hospital TU Dresden, University Hospital TU Dresden
Classification: Pathogenic. Last evaluated: 2021-11-03. Review status: criteria provided, single submitter. Criteria: ACMG Guidelines, 2015. Collection method: clinical testing. Allele origin: germline.

ARUP Laboratories, Molecular Genetics and Genomics, ARUP Laboratories
Classification: Likely pathogenic for Immunodeficiency-centromeric instability-facial anomalies syndrome 2. Review status: criteria provided, single submitter. Criteria: ARUP Molecular Germline Variant Investigation Process 2024. Collection method: clinical testing. Allele origin: germline.
Comment: The ZBTB24 c.1222T>G; p.Cys408Gly variant (ClinVar Variation ID: 31096) is reported in the compound heterozygous and homozygous state in individuals with immunodeficiency-centromeric instability-facial anomalies syndrome (Cerbone 2012, de Greef 2019, Sogkas 2019, von Bernuth 2014). However, individuals that are homozygous for the c.1222T>G; p.Cys408Gly variant display a variable immunodeficiency, ranging from apparently unaffected to variable immunodeficiency while all affected display intellectual disability and facial anomalies (Cerbone 2012, Sogkas 2019, von Bernuth 2014). Additionally, functional studies indicate this variant causes reduced regulatory effect (Wu 2019). Based on available information, this variant is classified as likely pathogenic. REFERENCES Cerbone M et al. Immunodeficiency, centromeric instability, facial anomalies (ICF) syndrome, due to ZBTB24 mutations, presenting with large cerebral cyst. Am J Med Genet A. 2012 Aug;158A(8):2043-6. PMID: 22786748. de Greef JC et al. Mutations in ZBTB24 are associated with immunodeficiency, centromeric instability, and facial anomalies syndrome type 2. Am J Hum Genet. 2011 Jun 10;88(6):796-804. PMID: 21596365. Sogkas G et al. Progressive Immunodeficiency with Gradual Depletion of B and CD4 T Cells in Immunodeficiency, Centromeric Instability and Facial Anomalies Syndrome 2 (ICF2). Diseases. 2019 Apr 4;7(2):34. PMID: 30987377. von Bernuth H et al. Combined immunodeficiency develops with age in Immunodeficiency-centromeric instability-facial anomalies syndrome 2 (ICF2). Orphanet J Rare Dis. 2014 Oct 21;9:116. PMID: 25330735. Wu H et al. A functional assay to classify ZBTB24 missense variants of unknown significance. Hum Mutat. 2019 Aug;40(8):1077-1083. PMID: 31066130.

OMIM
Classification: Pathogenic for IMMUNODEFICIENCY-CENTROMERIC INSTABILITY-FACIAL ANOMALIES SYNDROME 2. Last evaluated: 2011-06-10. Review status: no assertion criteria provided. Collection method: literature only. Allele origin: germline. Not counted in ClinVar's aggregate classification.

Literature cited by the submitters: PubMed 21596365 (cited by 3 submitters); PubMed 22786748 (cited by Labcorp Genetics (formerly Invitae), Labcorp and Women's Health and Genetics/Laboratory Corporation of America, LabCorp); PubMed 25330735 (cited by Labcorp Genetics (formerly Invitae), Labcorp); PubMed 30987377 (cited by Labcorp Genetics (formerly Invitae), Labcorp); PubMed 31066130 (cited by Labcorp Genetics (formerly Invitae), Labcorp and Women's Health and Genetics/Laboratory Corporation of America, LabCorp); PubMed 30010917 (cited by Women's Health and Genetics/Laboratory Corporation of America, LabCorp).

NM_014797.3(ZBTB24):c.1222T>G (p.Cys408Gly)

Gene: ZBTB24 (zinc finger and BTB domain containing 24; minus strand). Cytogenetic location: 6q21.
Variant type: single nucleotide variant.
Coding change: c.1222T>G on transcript NM_014797.3 (MANE Select); coding-DNA position 1222, T replaced by G.
Protein change: p.Cys408Gly; replaces cysteine 408 with glycine.
Molecular consequence: missense variant.
Genome position (GRCh38, 1-based): chr6:109,475,465, A>C on the plus strand (T>G on the coding strand, the complement: ZBTB24 is on the minus strand). VCF-style: chr6-109475465-A-C. GRCh37 (hg19) VCF-style: chr6-109796668-A-C.
Other names: short protein forms C408G.
Identifiers: ClinVar variation 31096 (VCV000031096.14), dbSNP rs387907105, ClinGen allele CA129664.